The following is an entry in ClinVar:

NM_021912.5(GABRB3):c.31C>T (p.Pro11Ser)

Gene: GABRB3 (gamma-aminobutyric acid type A receptor subunit beta3; minus strand). Cytogenetic location: 15q12.
Variant type: single nucleotide variant.
Coding change: c.31C>T on transcript NM_021912.5; coding-DNA position 31, C replaced by T.
Protein change: p.Pro11Ser; replaces proline 11 with serine.
Molecular consequence: missense variant.
Genome position (GRCh38, 1-based): chr15:26,773,694, G>A on the plus strand (C>T on the coding strand, the complement: GABRB3 is on the minus strand). VCF-style: chr15-26773694-G-A. GRCh37 (hg19) VCF-style: chr15-27018841-G-A.
Other names: short protein forms P11S.
Identifiers: ClinVar variation 16191 (VCV000016191.54), dbSNP rs25409, ClinGen allele CA214942.
Genomic context (GRCh38, chr15:26,773,694, plus strand): 5'-CCCCGCCTCACCTGCGGGGCTCAGAGCCTCGGGTCCCCAGGGTCCAGGAGAGCCAGATGG[G>A]CAGCAGGAGCTCCAGGAGCCCGGAGCACATGGCGCTGTTCCTCCGGCCTAACCTGCTGGG-3'

ClinVar aggregate classification (germline): Conflicting classifications of pathogenicity. Review status: criteria provided, conflicting classifications (1 of 4 stars). 15 submissions from 15 submitters: Uncertain significance (1); Benign (7); Likely benign (3). 4 of the submissions do not count toward it. Last evaluated 2026-09-01.

Conditions:
GABRB3-related disorder. Also called: GABRB3-related condition.
Inborn genetic diseases. Identifiers: MedGen C0950123, MeSH D030342.
Epilepsy, childhood absence, susceptibility to, 5. Identifiers: Orphanet 64280, MedGen C2677087, MONDO:0012843, OMIM 612269.
Developmental and epileptic encephalopathy, 43 (DEE43). Also called: Epileptic encephalopathy, early infantile, 43. Identifiers: MedGen C4310712, MONDO:0014921, OMIM 617113.
Epilepsy, childhood absence, susceptibility to, 1. Also called: Epilepsy, childhood absence 1. Identifiers: Orphanet 64280, MedGen C1838604, MONDO:0020759, OMIM 600131.

Allele frequency attached by ClinVar (database versions not stated): 1000 Genomes Project 30x 0.00203; gnomAD exomes 0.00291 and 0.00443; gnomAD 0.00354 and 0.00350; TOPMed 0.00376; 1000 Genomes Project 0.00200; ExAC 0.00582.
gnomAD v4.1: 6,863 of 1,575,188 alleles (0.44%); highest among the groups gnomAD compares: Non-Finnish European, 0.51%; 20 homozygotes.

Submissions (15):

CeGaT Center for Human Genetics Tuebingen
Classification: Benign. Last evaluated: 2026-09-01. Review status: criteria provided, single submitter. Criteria: CeGaT Center For Human Genetics Tuebingen Variant Classification Criteria Version 2. Collection method: clinical testing. Allele origin: germline. Affected: yes. Observed: 41 variant alleles.
Comment: GABRB3: PP2, BP4, BS1, BS2

Labcorp Genetics (formerly Invitae), Labcorp
Classification: Benign for Epilepsy, childhood absence, susceptibility to, 5; Epilepsy, childhood absence, susceptibility to, 1. Last evaluated: 2025-10-20. Review status: criteria provided, single submitter. Criteria: Invitae Variant Classification Sherloc (09022015). Collection method: clinical testing. Allele origin: germline.

Blueprint Genetics
Classification: Likely benign. Last evaluated: 2024-11-25. Review status: criteria provided, single submitter. Criteria: ACMG Guidelines, 2015. Collection method: clinical testing. Allele origin: germline.

ARUP Laboratories, Molecular Genetics and Genomics, ARUP Laboratories
Classification: Benign. Last evaluated: 2023-10-13. Review status: criteria provided, single submitter. Criteria: ARUP Molecular Germline Variant Investigation Process 2024. Collection method: clinical testing. Allele origin: germline.

Mendelics
Classification: Benign for Epilepsy, childhood absence, susceptibility to, 1. Last evaluated: 2019-05-28. Review status: criteria provided, single submitter. Criteria: Mendelics Assertion Criteria 2017. Collection method: clinical testing. Allele origin: unknown.

GeneDx
Classification: Benign. Last evaluated: 2019-04-08. Review status: criteria provided, single submitter. Criteria: GeneDx Variant Classification Process June 2021. Collection method: clinical testing. Allele origin: germline. Affected: yes.
Comment: This variant is associated with the following publications: (PMID: 26645412, 22206818, 20550555, 19935738, 18514161, 20308251, 27884173, 31435640)

Athena Diagnostics
Classification: Benign. Last evaluated: 2016-12-02. Review status: criteria provided, single submitter. Criteria: Athena Diagnostics Criteria. Collection method: clinical testing. Allele origin: germline.

Ambry Genetics
Classification: Benign for Inborn genetic diseases. Last evaluated: 2016-09-16. Review status: criteria provided, single submitter. Criteria: Ambry Variant Classification Scheme 2023. Collection method: clinical testing. Allele origin: germline.

Mayo Clinic Laboratories, Mayo Clinic
Classification: Uncertain significance for Epilepsy, childhood absence, susceptibility to, 5. Last evaluated: 2016-05-02. Review status: criteria provided, single submitter. Criteria: ACMG Guidelines, 2015. Collection method: clinical testing. Allele origin: paternal.

Genomic Diagnostic Laboratory, Division of Genomic Diagnostics, Children's Hospital of Philadelphia
Classification: Likely benign. Last evaluated: 2015-05-11. Review status: criteria provided, single submitter. Criteria: DGD Variant Analysis Guidelines. Collection method: clinical testing. Allele origin: unknown.

Center for Genomics, Ann and Robert H. Lurie Children's Hospital of Chicago
Classification: Likely benign for Epilepsy, childhood absence, susceptibility to, 5; Developmental and epileptic encephalopathy, 43. Review status: criteria provided, single submitter. Criteria: ACMG Guidelines, 2015. Collection method: clinical testing. Allele origin: germline.
Comment: GABRB3 NM_021912.5 exon 1 p.Pro11Ser (c.31C>T): This variant has been reported in the literature in at least 2 individuals with absence epilepsy and numerous individuals with autism (Tanaka 2008 PMID:185141461, Delahanty 2011 PMID:19935738). However, this variant is present in 0.5% (370/67998) of European alleles including 2 homozygotes, as well as 1 homozygote in the South Asian population in the Genome Aggregation Database. This variant is present in ClinVar, with several labs classifying this variant as Likely Benign or Benign (Variation ID:16191). Evolutionary conservation for this variant is limited or unavailable; computational predictive tools suggest that this variant may not impact the protein. In vitro functional studies suggests that this variant may impact the protein, however, this data may not represent in vivo biological function (Tanaka 2008 PMID:185141461, Shi 2019 PMID:31435640). In summary, data on this variant, particularly the minor allele frequency and presence of homozygotes in ostensibly unaffected individuals suggests that this variant does not cause disease, but requires further evidence. Therefore this variant is classified as Likely Benign.

PreventionGenetics, part of Exact Sciences
Classification: Benign for GABRB3-related condition. Last evaluated: 2020-06-05. Review status: no assertion criteria provided. Collection method: clinical testing. Allele origin: germline. Not counted in ClinVar's aggregate classification.
Comment: This variant is classified as benign based on ACMG/AMP sequence variant interpretation guidelines (Richards et al. 2015 PMID: 25741868, with internal and published modifications).

OMIM
Classification: risk factor for EPILEPSY, CHILDHOOD ABSENCE, SUSCEPTIBILITY TO, 5. Last evaluated: 2008-06-01. Review status: no assertion criteria provided. Collection method: literature only. Allele origin: germline. Not counted in ClinVar's aggregate classification.

Clinical Genetics DNA and cytogenetics Diagnostics Lab, Erasmus MC, Erasmus Medical Center
Classification: Likely benign. Review status: no assertion criteria provided. Collection method: clinical testing. Allele origin: germline. Affected: yes. Study: VKGL Data-share Consensus. Not counted in ClinVar's aggregate classification.

Genome Diagnostics Laboratory, University Medical Center Utrecht
Classification: Likely benign. Review status: no assertion criteria provided. Collection method: clinical testing. Allele origin: germline. Affected: yes. Study: VKGL Data-share Consensus. Not counted in ClinVar's aggregate classification.

Literature cited by the submitters: PubMed 25726841 (cited by Athena Diagnostics); PubMed 26845707 (cited by Athena Diagnostics); PubMed 26950270 (cited by Athena Diagnostics); PubMed 18514161 (cited by Athena Diagnostics and OMIM); PubMed 19935738 (cited by Athena Diagnostics); PubMed 20550555 (cited by Athena Diagnostics).